The following is an entry in ClinVar:

ClinVar aggregate classification (germline): Benign. Review status: reviewed by expert panel (3 of 4 stars). 11 submissions from 11 submitters: Benign (1). 10 of the submissions do not count toward it. Last evaluated 2023-08-22.

Conditions:
DICER1-related disorder. Also called: DICER1-related condition.
DICER1-related tumor predisposition. Also called: DICER1 syndrome; DICER1-related pleuropulmonary blastoma cancer predisposition syndrome. Identifiers: Orphanet 284343, MedGen C3839822, MONDO:0100216.
Hereditary cancer-predisposing syndrome. Also called: Tumor predisposition; Hereditary neoplastic syndrome; Neoplastic Syndromes, Hereditary; Hereditary Cancer Syndrome. Identifiers: Orphanet 140162, MedGen C0027672, MeSH D009386, MONDO:0015356.

Allele frequency attached by ClinVar (database versions not stated): ExAC 0.00011; 1000 Genomes Project 30x 0.00016; gnomAD 0.00016; gnomAD exomes 0.00018; 1000 Genomes Project 0.00020; ESP Exome Variant Server 0.00023; TOPMed 0.00037.

Submissions (11):

ClinGen DICER1 and miRNA-Processing Gene Variant Curation Expert Panel, ClinGen
Classification: Benign for DICER1-related tumor predisposition. Last evaluated: 2023-08-22. Review status: reviewed by expert panel. Criteria: ClinGen DICER1 ACMG Specifications DICER1 V1.2.0. Collection method: curation. Allele origin: germline. Inheritance: Autosomal dominant inheritance.
Comment: The NM_177438.2:c.3553G>A variant in DICER1 is a missense variant predicted to cause substitution of alanine by threonine at amino acid 1185 (p.Ala1185Thr). This variant has been seen in 40 or more unrelated females without tumors through age 50 in at least one testing laboratory (BS2; ClinVar SCV: SCV000661803.4, SCV000291663.10; PMIDs: 24728327). The highest population minor allele frequency in gnomAD v3.1.2 is 0.002 (45/15,076 alleles) in Latino/Admixed American populations, which is higher than the ClinGen DICER1 VCEP threshold (>0.0003) for BS1, and therefore meets this criterion (BS1). In silico tools predict no damaging impact of the variant on protein function (REVEL: 0.048; MaxEntScan and SpliceAI: no effect on splicing (BP4). In summary, this variant meets the criteria to be classified as Benign for DICER1 syndrome based on the ACMG/AMP criteria applied, as specified by the ClinGen DICER1 VCEP: BS1, BS2, BP4. (Bayesian Points: -9; VCEP specifications version 1.2.0; 08/22/23)

Labcorp Genetics (formerly Invitae), Labcorp
Classification: Likely benign for DICER1-related tumor predisposition. Last evaluated: 2026-02-03. Review status: criteria provided, single submitter. Criteria: Invitae Variant Classification Sherloc (09022015). Collection method: clinical testing. Allele origin: germline. Not counted in ClinVar's aggregate classification.

GeneDx
Classification: Uncertain significance. Last evaluated: 2023-07-07. Review status: criteria provided, single submitter. Criteria: GeneDx Variant Classification Process June 2021. Collection method: clinical testing. Allele origin: germline. Affected: yes. Not counted in ClinVar's aggregate classification.
Comment: In silico analysis supports that this missense variant does not alter protein structure/function; Identified in healthy individuals undergoing whole genome sequencing (Bodian et al., 2014); This variant is associated with the following publications: (PMID: 24728327)

Sema4
Classification: Likely benign for Hereditary cancer-predisposing syndrome. Last evaluated: 2021-01-01. Review status: criteria provided, single submitter. Criteria: Sema4 Curation Guidelines. Collection method: curation. Allele origin: germline. Not counted in ClinVar's aggregate classification.

St. Jude Molecular Pathology, St. Jude Children's Research Hospital
Classification: Uncertain significance for DICER1-related tumor predisposition. Last evaluated: 2020-10-07. Review status: criteria provided, single submitter. Criteria: St. Jude Assertion Criteria 2020. Collection method: clinical testing. Allele origin: germline. Not counted in ClinVar's aggregate classification.
Comment: The DICER1 c.3553G>A (p.Ala1185Thr) missense change has a maximum subpopulation frequency of 0.073% in gnomAD v2.1.1. This is likely to be greater than the expected prevalence of a pathogenic variant in DICER1 (PMID: 24761742). This variant occurs in a gene where missense variants are more likely to be damaging based on methods described by Lek et al. (PP2; PMID: 27535533), and in silico tools do not agree on the effect of this variant on protein function. To our knowledge, this variant has not been reported in individuals with a personal or family history suggestive of DICER1 Tumor Predisposition syndrome (internal data and literature review). In summary, this variant meets criteria to be classified as of uncertain significance based on the ACMG/AMP criteria: PP2.

Ambry Genetics
Classification: Likely benign for Hereditary cancer-predisposing syndrome. Last evaluated: 2020-07-07. Review status: criteria provided, single submitter. Criteria: Ambry Variant Classification Scheme 2023. Collection method: clinical testing. Allele origin: germline. Not counted in ClinVar's aggregate classification.

Revvity Omics, Revvity
Classification: Uncertain significance. Last evaluated: 2019-12-03. Review status: criteria provided, single submitter. Criteria: ACMG Guidelines, 2015. Collection method: clinical testing. Allele origin: germline. Not counted in ClinVar's aggregate classification.

ARUP Laboratories, Molecular Genetics and Genomics, ARUP Laboratories
Classification: Uncertain significance. Last evaluated: 2019-09-14. Review status: criteria provided, single submitter. Criteria: ARUP Molecular Germline Variant Investigation Process. Collection method: clinical testing. Allele origin: germline. Not counted in ClinVar's aggregate classification.
Comment: The DICER1 c.3553G>A; p.Ala1185Thr variant (rs150514959), to our knowledge, is not reported in the medical literature but is reported in ClinVar (Variation ID: 133970). This variant is found in the general population with an overall allele frequency of 0.02% (49/282800 alleles) in the Genome Aggregation Database. The alanine at codon 1185 is moderately conserved, but computational analyses (SIFT, PolyPhen-2) predict that this variant is tolerated. However, given the lack of clinical and functional data, the significance of this variant is uncertain at this time.

Mendelics
Classification: Uncertain significance for Pleuropulmonary blastoma. Last evaluated: 2019-05-28. Review status: criteria provided, single submitter. Criteria: Mendelics Assertion Criteria 2017. Collection method: clinical testing. Allele origin: unknown. Not counted in ClinVar's aggregate classification.

PreventionGenetics, part of Exact Sciences
Classification: Likely benign for DICER1-related condition. Last evaluated: 2022-08-05. Review status: no assertion criteria provided. Collection method: clinical testing. Allele origin: germline. Not counted in ClinVar's aggregate classification.
Comment: This variant is classified as likely benign based on ACMG/AMP sequence variant interpretation guidelines (Richards et al. 2015 PMID: 25741868, with internal and published modifications).

ITMI
No classification provided. Condition: AllHighlyPenetrant. Last evaluated: 2013-09-19. Review status: no classification provided. Collection method: reference population. Allele origin: germline. Not counted in ClinVar's aggregate classification.
Comment: Please see associated publication for description of ethnicities

Literature cited by the submitters: PubMed 24728327 (cited by ITMI).

NM_177438.3(DICER1):c.3553G>A (p.Ala1185Thr)

Gene: DICER1 (dicer 1, ribonuclease III; minus strand). Cytogenetic location: 14q32.13.
Variant type: single nucleotide variant.
Coding change: c.3553G>A on transcript NM_177438.3 (MANE Select); coding-DNA position 3553, G replaced by A.
Protein change: p.Ala1185Thr; replaces alanine 1185 with threonine.
Molecular consequence: missense variant.
Genome position (GRCh38, 1-based): chr14:95,103,843, C>T on the plus strand (G>A on the coding strand, the complement: DICER1 is on the minus strand). VCF-style: chr14-95103843-C-T. GRCh37 (hg19) VCF-style: chr14-95570180-C-T.
Other names: NM_177438.3(DICER1):c.3553G>A; p.Ala1185Thr; c.3553G>A, p.Ala1185Thr (NM_001195573.1, NM_001271282.3, NM_001291628.2 and 1 more transcripts); short protein forms A1185T.
Identifiers: ClinVar variation 133970 (VCV000133970.33), dbSNP rs150514959, ClinGen allele CA158273.
Genomic context (GRCh38, chr14:95,103,843, plus strand): 5'-AGTAATTTAGCTGATTTCCTTGGCAAAAGTCTCTGTTAGCTAAATCATAACTGCCATTGG[C>T]GAGATTTTGATTGTAAGAAAGACCATTAATTGCTGTAAGATCTGCTGAAACTTCAACGTG-3'
Protein context (NP_803187.1, residues 1175-1195): INGLSYNQNL[Ala1185Thr]NGSYDLANRD